The following is an entry in ClinVar:

ClinVar aggregate classification (germline): Uncertain significance (1 of 4 stars; one submission).

Conditions:
Diamond-Blackfan anemia 5 (DBA5). Also called: RPL35A-Related Diamond-Blackfan Anemia. Identifiers: Orphanet 124, MedGen C2675859, MONDO:0012925, OMIM 612528.

Submission:

Labcorp Genetics (formerly Invitae), Labcorp
Classification: Uncertain significance for Diamond-Blackfan anemia 5. Last evaluated: 2024-02-06. Review status: criteria provided, single submitter. Criteria: Invitae Variant Classification Sherloc (09022015). Collection method: clinical testing. Allele origin: germline.
Comment: This sequence change replaces tyrosine, which is neutral and polar, with serine, which is neutral and polar, at codon 49 of the RPL35A protein (p.Tyr49Ser). This variant is not present in population databases (gnomAD no frequency). This variant has not been reported in the literature in individuals affected with RPL35A-related conditions. An algorithm developed to predict the effect of missense changes on protein structure and function (PolyPhen-2) suggests that this variant is likely to be disruptive. In summary, the available evidence is currently insufficient to determine the role of this variant in disease. Therefore, it has been classified as a Variant of Uncertain Significance.

NM_000996.4(RPL35A):c.146A>C (p.Tyr49Ser)

Genes: DRC9 (dynein regulatory complex subunit 9; minus strand), RPL35A (ribosomal protein L35a; plus strand). Cytogenetic location: 3q29.
Variant type: single nucleotide variant.
Coding change: c.146A>C on transcript NM_000996.4 (MANE Select); coding-DNA position 146, A replaced by C.
Protein change: p.Tyr49Ser; replaces tyrosine 49 with serine.
Molecular consequence: missense variant. On other transcripts: intron variant (3).
Genome position (GRCh38, 1-based): chr3:197,951,293, A>C. VCF-style: chr3-197951293-A-C. GRCh37 (hg19) VCF-style: chr3-197678164-A-C.
Other names: c.146A>C, p.Tyr49Ser (NM_001316311.2); c.-49-7242T>G (NM_001323028.2); c.-59-5607T>G (NM_032263.5); c.-374-5607T>G (NM_001323029.2); short protein forms Y49S.
Identifiers: ClinVar variation 3639092 (VCV003639092.2).